The following is an entry in ClinVar:

ClinVar aggregate classification (germline): Uncertain significance (1 of 4 stars; one submission).

Conditions:
Dilated cardiomyopathy 1DD (CMD1DD). Identifiers: Orphanet 154, MedGen C2750995, MONDO:0013168, OMIM 613172.

Allele frequency attached by ClinVar (database versions not stated): gnomAD exomes below 0.00001 and 0.00001.
gnomAD v4.1: 4 of 1,550,252 alleles (0.00026%); highest among the groups gnomAD compares: Non-Finnish European, 0.00035%; no homozygotes.

Submission:

Labcorp Genetics (formerly Invitae), Labcorp
Classification: Uncertain significance for Dilated cardiomyopathy 1DD. Last evaluated: 2021-01-25. Review status: criteria provided, single submitter. Criteria: Invitae Variant Classification Sherloc (09022015). Collection method: clinical testing. Allele origin: germline.
Comment: This sequence change replaces glutamic acid with aspartic acid at codon 855 of the RBM20 protein (p.Glu855Asp). The glutamic acid residue is highly conserved and there is a small physicochemical difference between glutamic acid and aspartic acid. This variant is not present in population databases (ExAC no frequency). In summary, the available evidence is currently insufficient to determine the role of this variant in disease. Therefore, it has been classified as a Variant of Uncertain Significance. Advanced modeling of protein sequence and biophysical properties (such as structural, functional, and spatial information, amino acid conservation, physicochemical variation, residue mobility, and thermodynamic stability) performed at Invitae indicates that this missense variant is not expected to disrupt RBM20 protein function. This variant has not been reported in the literature in individuals with RBM20-related conditions. ClinVar contains an entry for this variant (Variation ID: 238549).

NM_001134363.3(RBM20):c.2565A>C (p.Glu855Asp)

Gene: RBM20 (RNA binding motif protein 20; plus strand). Cytogenetic location: 10q25.2.
Variant type: single nucleotide variant.
Coding change: c.2565A>C on transcript NM_001134363.3 (MANE Select); coding-DNA position 2565, A replaced by C.
Protein change: p.Glu855Asp; replaces glutamic acid 855 with aspartic acid.
Molecular consequence: missense variant.
Genome position (GRCh38, 1-based): chr10:110,820,086, A>C. VCF-style: chr10-110820086-A-C. GRCh37 (hg19) VCF-style: chr10-112579844-A-C.
Other names: short protein forms E855D.
Identifiers: ClinVar variation 238549 (VCV000238549.8), dbSNP rs878854250, ClinGen allele CA10582705.